The following is an entry in ClinVar:

NM_013352.4(DSE):c.1643A>T (p.Gln548Leu)

Gene: DSE (dermatan sulfate epimerase; plus strand). Cytogenetic location: 6q22.1.
Variant type: single nucleotide variant.
Coding change: c.1643A>T on transcript NM_013352.4 (MANE Select); coding-DNA position 1643, A replaced by T.
Protein change: p.Gln548Leu; replaces glutamine 548 with leucine.
Molecular consequence: missense variant. On other transcripts: 3 prime UTR variant (2), non-coding transcript variant (1).
Genome position (GRCh38, 1-based): chr6:116,436,111, A>T. VCF-style: chr6-116436111-A-T. GRCh37 (hg19) VCF-style: chr6-116757274-A-T.
Other names: c.1643A>T, p.Gln548Leu (NM_001080976.3, NM_001322937.2, NM_001322938.2); c.1700A>T, p.Gln567Leu (NM_001322939.2); c.1082A>T, p.Gln361Leu (NM_001322940.2, NM_001322941.2); c.*508A>T (NM_001322943.2, NM_001322944.2); c.644A>T, p.Gln215Leu (NM_001374520.1); c.608A>T, p.Gln203Leu (NM_001374521.1); short protein forms Q203L, Q361L, Q548L, Q215L, Q567L.
Identifiers: ClinVar variation 1411410 (VCV001411410.6), dbSNP rs2115094990, ClinGen allele CA365402650.
Genomic context (GRCh38, chr6:116,436,111, plus strand): 5'-CAGAGGAGAAAAATGGGGTGGTTTTCATCCGAGGAGAAGGTGTGGGAGCTTATAACCCCC[A>T]GCTCAACCTGAAGAATGTTCAGAGGAATCTCATCCTCCTACATCCACAGCTGCTTCTCCT-3'
Protein context (NP_037484.1, residues 538-558): RGEGVGAYNP[Gln548Leu]LNLKNVQRNL

ClinVar aggregate classification (germline): Uncertain significance (1 of 4 stars; one submission).

Conditions:
Ehlers-Danlos syndrome, musculocontractural type 2 (EDSMC2). Identifiers: Orphanet 2953, MedGen C3809845, MONDO:0014236, OMIM 615539.

Submission:

Labcorp Genetics (formerly Invitae), Labcorp
Classification: Uncertain significance for Ehlers-Danlos syndrome, musculocontractural type 2. Last evaluated: 2021-11-11. Review status: criteria provided, single submitter. Criteria: Invitae Variant Classification Sherloc (09022015). Collection method: clinical testing. Allele origin: germline.
Comment: This sequence change replaces glutamine, which is neutral and polar, with leucine, which is neutral and non-polar, at codon 548 of the DSE protein (p.Gln548Leu). This variant is not present in population databases (gnomAD no frequency). This variant has not been reported in the literature in individuals affected with DSE-related conditions. Algorithms developed to predict the effect of missense changes on protein structure and function output the following: SIFT: "Not Available"; PolyPhen-2: "Benign"; Align-GVGD: "Not Available". The leucine amino acid residue is found in multiple mammalian species, which suggests that this missense change does not adversely affect protein function. In summary, the available evidence is currently insufficient to determine the role of this variant in disease. Therefore, it has been classified as a Variant of Uncertain Significance.